The following is an entry in ClinVar:

NM_001386795.1(DTNA):c.1970C>T (p.Ser657Phe)

Gene: DTNA (dystrobrevin alpha; plus strand). Cytogenetic location: 18q12.1.
Variant type: single nucleotide variant.
Coding change: c.1970C>T on transcript NM_001386795.1 (MANE Select); coding-DNA position 1970, C replaced by T.
Protein change: p.Ser657Phe; replaces serine 657 with phenylalanine.
Molecular consequence: missense variant.
Genome position (GRCh38, 1-based): chr18:34,877,785, C>T. VCF-style: chr18-34877785-C-T. GRCh37 (hg19) VCF-style: chr18-32457749-C-T.
Other names: c.845C>T, p.Ser282Phe (NM_001198944.1); c.1709C>T, p.Ser570Phe (NM_001386753.1, NM_001198938.2, NM_001198940.2 and 5 more transcripts); c.1799C>T, p.Ser600Phe (NM_001386754.1, NM_001386755.1, NM_001386756.1 and 3 more transcripts); c.1796C>T, p.Ser599Phe (NM_001386760.1); c.1889C>T, p.Ser630Phe (NM_001390.5); c.1718C>T, p.Ser573Phe (NM_032975.4, NM_001386761.1); c.833C>T, p.Ser278Phe (NM_032980.4); c.1730C>T, p.Ser577Phe (NM_001198939.2); and 5 more; short protein forms S320F, S572F, S278F, S339F, S573F, S599F, S630F, S569F.
Identifiers: ClinVar variation 3680660 (VCV003680660.2).

ClinVar aggregate classification (germline): Uncertain significance (1 of 4 stars; one submission).

Conditions:
Left ventricular noncompaction 1 (LVNC1). Also called: LEFT VENTRICULAR NONCOMPACTION 1 WITH OR WITHOUT CONGENITAL HEART DEFECTS. Identifiers: Orphanet 54260, MedGen C1858725, MONDO:0011403, OMIM 604169.

gnomAD v4.1: 2 of 1,613,848 alleles (0.00012%); highest among the groups gnomAD compares: African/African-American, 0.0027%; no homozygotes.

Submission:

Labcorp Genetics (formerly Invitae), Labcorp
Classification: Uncertain significance for Left ventricular noncompaction 1. Last evaluated: 2024-05-12. Review status: criteria provided, single submitter. Criteria: Invitae Variant Classification Sherloc (09022015). Collection method: clinical testing. Allele origin: germline.
Comment: This sequence change replaces serine, which is neutral and polar, with phenylalanine, which is neutral and non-polar, at codon 630 of the DTNA protein (p.Ser630Phe). This variant is not present in population databases (gnomAD no frequency). This variant has not been reported in the literature in individuals affected with DTNA-related conditions. An algorithm developed to predict the effect of missense changes on protein structure and function (PolyPhen-2) suggests that this variant is likely to be disruptive. In summary, the available evidence is currently insufficient to determine the role of this variant in disease. Therefore, it has been classified as a Variant of Uncertain Significance.